The following is an entry in ClinVar:

ClinVar aggregate classification (germline): Uncertain significance (1 of 4 stars; one submission).

Allele frequency attached by ClinVar (database versions not stated): TOPMed below 0.00001; ExAC 0.00002; gnomAD exomes 0.00003.

Submission:

Labcorp Genetics (formerly Invitae), Labcorp
Classification: Uncertain significance. Last evaluated: 2022-03-10. Review status: criteria provided, single submitter. Criteria: Invitae Variant Classification Sherloc (09022015). Collection method: clinical testing. Allele origin: germline.
Comment: In summary, the available evidence is currently insufficient to determine the role of this variant in disease. Therefore, it has been classified as a Variant of Uncertain Significance. Algorithms developed to predict the effect of missense changes on protein structure and function output the following: SIFT: "Tolerated"; PolyPhen-2: "Benign"; Align-GVGD: "Class C0". The histidine amino acid residue is found in multiple mammalian species, which suggests that this missense change does not adversely affect protein function. This variant has not been reported in the literature in individuals affected with ERMARD-related conditions. This variant is present in population databases (rs775773795, gnomAD 0.003%). This sequence change replaces arginine, which is basic and polar, with histidine, which is basic and polar, at codon 513 of the ERMARD protein (p.Arg513His).

NM_018341.3(ERMARD):c.1538G>A (p.Arg513His)

Gene: ERMARD (ER membrane associated RNA degradation; plus strand). Cytogenetic location: 6q27.
Variant type: single nucleotide variant.
Coding change: c.1538G>A on transcript NM_018341.3 (MANE Select); coding-DNA position 1538, G replaced by A.
Protein change: p.Arg513His; replaces arginine 513 with histidine.
Molecular consequence: missense variant. On other transcripts: intron variant (2).
Genome position (GRCh38, 1-based): chr6:169,776,472, G>A. VCF-style: chr6-169776472-G-A. GRCh37 (hg19) VCF-style: chr6-170176568-G-A.
Other names: c.1160G>A, p.Arg387His (NM_001278532.2); c.1130G>A, p.Arg377His (NM_001410957.1); c.1598+61G>A (NM_001278531.2); c.1520+407G>A (NM_001278533.2); short protein forms R377H, R387H, R513H.
Identifiers: ClinVar variation 2148818 (VCV002148818.4), dbSNP rs775773795, ClinGen allele CA4106344.